The following is an entry in ClinVar:

NM_001025603.2(RFX5):c.884C>T (p.Thr295Ile)

Gene: RFX5 (regulatory factor X5; minus strand). Cytogenetic location: 1q21.3.
Variant type: single nucleotide variant.
Coding change: c.884C>T on transcript NM_001025603.2 (MANE Select); coding-DNA position 884, C replaced by T.
Protein change: p.Thr295Ile; replaces threonine 295 with isoleucine.
Molecular consequence: missense variant.
Genome position (GRCh38, 1-based): chr1:151,343,153, G>A on the plus strand (C>T on the coding strand, the complement: RFX5 is on the minus strand). VCF-style: chr1-151343153-G-A. GRCh37 (hg19) VCF-style: chr1-151315629-G-A.
Other names: c.884C>T (NM_000449.3); c.884C>T, p.Thr295Ile (NM_000449.4, NM_001379412.1, NM_001379413.1 and 5 more transcripts); c.764C>T, p.Thr255Ile (NM_001379419.1, NM_001379420.1); short protein forms T295I, T255I.
Identifiers: ClinVar variation 1044538 (VCV001044538.5), dbSNP rs367615574, ClinGen allele CA29558866.

ClinVar aggregate classification (germline): Uncertain significance. Review status: criteria provided, multiple submitters, no conflicts (2 of 4 stars). 2 submissions from 2 submitters: Uncertain significance (2). Last evaluated 2025-05-03.

Conditions:
MHC class II deficiency. Also called: BLS, TYPE II; Bare lymphocyte syndrome 2. Identifiers: Orphanet 572, MedGen C5447452, MONDO:0008855.

Allele frequency attached by ClinVar (database versions not stated): ESP Exome Variant Server 0.00008; gnomAD 0.00008 and 0.00009; TOPMed 0.00008.
gnomAD v4.1: 38 of 1,611,378 alleles (0.0024%); highest among the groups gnomAD compares: Middle Eastern, 0.021%; no homozygotes.

Submissions (2):

Ambry Genetics
Classification: Uncertain significance. Last evaluated: 2025-05-03. Review status: criteria provided, single submitter. Criteria: Ambry Variant Classification Scheme 2023. Collection method: clinical testing. Allele origin: germline.

Labcorp Genetics (formerly Invitae), Labcorp
Classification: Uncertain significance for MHC class II deficiency. Last evaluated: 2022-05-03. Review status: criteria provided, single submitter. Criteria: Invitae Variant Classification Sherloc (09022015). Collection method: clinical testing. Allele origin: germline.
Comment: This sequence change replaces threonine, which is neutral and polar, with isoleucine, which is neutral and non-polar, at codon 295 of the RFX5 protein (p.Thr295Ile). This variant is present in population databases (rs367615574, gnomAD 0.01%). This variant has not been reported in the literature in individuals affected with RFX5-related conditions. ClinVar contains an entry for this variant (Variation ID: 1044538). Algorithms developed to predict the effect of missense changes on protein structure and function (SIFT, PolyPhen-2, Align-GVGD) all suggest that this variant is likely to be tolerated. In summary, the available evidence is currently insufficient to determine the role of this variant in disease. Therefore, it has been classified as a Variant of Uncertain Significance.